The following is an entry in ClinVar:

NM_145290.4(ADGRA3):c.872G>A (p.Gly291Asp)

Gene: ADGRA3 (adhesion G protein-coupled receptor A3; minus strand). Cytogenetic location: 4p15.2.
Variant type: single nucleotide variant.
Coding change: c.872G>A on transcript NM_145290.4 (MANE Select); coding-DNA position 872, G replaced by A.
Protein change: p.Gly291Asp; replaces glycine 291 with aspartic acid.
Molecular consequence: missense variant.
Genome position (GRCh38, 1-based): chr4:22,442,698, C>T on the plus strand (G>A on the coding strand, the complement: ADGRA3 is on the minus strand). VCF-style: chr4-22442698-C-T. GRCh37 (hg19) VCF-style: chr4-22444321-C-T.
Other names: c.872G>A (NM_145290.2); short protein forms G291D.
Identifiers: ClinVar variation 1353286 (VCV001353286.9), dbSNP rs758909833, ClinGen allele CA2874118.

ClinVar aggregate classification (germline): Uncertain significance. Review status: criteria provided, multiple submitters, no conflicts (2 of 4 stars). 2 submissions from 2 submitters: Uncertain significance (2). Last evaluated 2024-11-14.

Allele frequency attached by ClinVar (database versions not stated): ExAC 0.00001; gnomAD exomes 0.00002; TOPMed 0.00002; gnomAD 0.00004.
gnomAD v4.1: 28 of 1,613,164 alleles (0.0017%); highest among the groups gnomAD compares: Non-Finnish European, 0.0023%; no homozygotes.

Submissions (2):

Ambry Genetics
Classification: Uncertain significance. Last evaluated: 2024-11-14. Review status: criteria provided, single submitter. Criteria: Ambry Variant Classification Scheme 2023. Collection method: clinical testing. Allele origin: germline.

Labcorp Genetics (formerly Invitae), Labcorp
Classification: Uncertain significance. Last evaluated: 2022-07-19. Review status: criteria provided, single submitter. Criteria: Invitae Variant Classification Sherloc (09022015). Collection method: clinical testing. Allele origin: germline.
Comment: In summary, the available evidence is currently insufficient to determine the role of this variant in disease. Therefore, it has been classified as a Variant of Uncertain Significance. Algorithms developed to predict the effect of sequence changes on RNA splicing suggest that this variant may disrupt the consensus splice site. Algorithms developed to predict the effect of missense changes on protein structure and function are either unavailable or do not agree on the potential impact of this missense change (SIFT: "Tolerated"; PolyPhen-2: "Probably Damaging"; Align-GVGD: "Class C0"). ClinVar contains an entry for this variant (Variation ID: 1353286). This variant has not been reported in the literature in individuals affected with ADGRA3-related conditions. This variant is present in population databases (rs758909833, gnomAD 0.005%). This sequence change replaces glycine, which is neutral and non-polar, with aspartic acid, which is acidic and polar, at codon 291 of the ADGRA3 protein (p.Gly291Asp).